The following is an entry in ClinVar:

NM_003995.4(NPR2):c.826G>C (p.Asp276His)

Gene: NPR2 (natriuretic peptide receptor 2; plus strand). Cytogenetic location: 9p13.3.
Variant type: single nucleotide variant.
Coding change: c.826G>C on transcript NM_003995.4 (MANE Select); coding-DNA position 826, G replaced by C.
Protein change: p.Asp276His; replaces aspartic acid 276 with histidine.
Molecular consequence: missense variant.
Genome position (GRCh38, 1-based): chr9:35,794,056, G>C. VCF-style: chr9-35794056-G-C. GRCh37 (hg19) VCF-style: chr9-35794053-G-C.
Other names: c.826G>C, p.Asp276His (NM_001378923.1); short protein forms D276H.
Identifiers: ClinVar variation 2922852 (VCV002922852.3), dbSNP rs777123865, ClinGen allele CA5051520.

ClinVar aggregate classification (germline): Uncertain significance (1 of 4 stars; one submission).

Conditions:
Acromesomelic dysplasia 1, Maroteaux type (AMD1). Also called: ST. HELENA DYSPLASIA; ACROMESOMELIC DYSPLASIA 1. Identifiers: Orphanet 40, MedGen C1864356, MONDO:0011275, OMIM 602875.
Tall stature-scoliosis-macrodactyly of the great toes syndrome. Also called: Epiphyseal chondrodysplasia, miura type. Identifiers: Orphanet 329191, MedGen C4014690, MONDO:0014401, OMIM 615923.

Allele frequency attached by ClinVar (database versions not stated): ExAC 0.00001; gnomAD 0.00001; gnomAD exomes 0.00001; TOPMed 0.00002.
gnomAD v4.1: 7 of 1,614,102 alleles (0.00043%); highest among the groups gnomAD compares: African/African-American, 0.0013%; no homozygotes.

Submission:

Labcorp Genetics (formerly Invitae), Labcorp
Classification: Uncertain significance for Tall stature-scoliosis-macrodactyly of the great toes syndrome; Acromesomelic dysplasia 1, Maroteaux type. Last evaluated: 2025-04-14. Review status: criteria provided, single submitter. Criteria: Invitae Variant Classification Sherloc (09022015). Collection method: clinical testing. Allele origin: germline.
Comment: This sequence change replaces aspartic acid, which is acidic and polar, with histidine, which is basic and polar, at codon 276 of the NPR2 protein (p.Asp276His). This variant is present in population databases (rs777123865, gnomAD 0.004%). This variant has not been reported in the literature in individuals affected with NPR2-related conditions. ClinVar contains an entry for this variant (Variation ID: 2922852). An algorithm developed to predict the effect of missense changes on protein structure and function (PolyPhen-2) suggests that this variant is likely to be disruptive. In summary, the available evidence is currently insufficient to determine the role of this variant in disease. Therefore, it has been classified as a Variant of Uncertain Significance.